The following is an entry in ClinVar:

NM_001278512.2(AP3B2):c.200G>A (p.Arg67Gln)

Genes: AP3B2 (adaptor related protein complex 3 subunit beta 2; minus strand), CPEB1-AS1 (CPEB1 antisense RNA 1; plus strand). Cytogenetic location: 15q25.2.
Variant type: single nucleotide variant.
Coding change: c.200G>A on transcript NM_001278512.2 (MANE Select); coding-DNA position 200, G replaced by A.
Protein change: p.Arg67Gln; replaces arginine 67 with glutamine.
Molecular consequence: missense variant.
Genome position (GRCh38, 1-based): chr15:82,689,222, C>T on the plus strand (G>A on the coding strand, the complement: AP3B2 is on the minus strand). VCF-style: chr15-82689222-C-T. GRCh37 (hg19) VCF-style: chr15-83357974-C-T.
Other names: c.200G>A, p.Arg67Gln (NM_001278511.2, NM_001348440.2, NM_004644.5); short protein forms R67Q.
Identifiers: ClinVar variation 2840561 (VCV002840561.3), dbSNP rs1186907391, ClinGen allele CA393301859.

ClinVar aggregate classification (germline): Uncertain significance (1 of 4 stars; one submission).

gnomAD v4.1: 5 of 1,614,016 alleles (0.00031%); highest among the groups gnomAD compares: South Asian, 0.0011%; no homozygotes.

Submission:

Labcorp Genetics (formerly Invitae), Labcorp
Classification: Uncertain significance. Last evaluated: 2023-07-07. Review status: criteria provided, single submitter. Criteria: Invitae Variant Classification Sherloc (09022015). Collection method: clinical testing. Allele origin: germline.
Comment: This variant has not been reported in the literature in individuals affected with AP3B2-related conditions. In summary, the available evidence is currently insufficient to determine the role of this variant in disease. Therefore, it has been classified as a Variant of Uncertain Significance. An algorithm developed to predict the effect of missense changes on protein structure and function (PolyPhen-2) suggests that this variant is likely to be tolerated. This variant is present in population databases (no rsID available, gnomAD 0.0009%). This sequence change replaces arginine, which is basic and polar, with glutamine, which is neutral and polar, at codon 67 of the AP3B2 protein (p.Arg67Gln).